The following is an entry in ClinVar:

NM_144691.4(CAPN12):c.1583+9C>T

Gene: CAPN12 (calpain 12; minus strand). Cytogenetic location: 19q13.2.
Variant type: single nucleotide variant.
Coding change: c.1583+9C>T on transcript NM_144691.4 (MANE Select); 9 bases into the intron after coding-DNA position 1583, C replaced by T.
Molecular consequence: intron variant.
Genome position (GRCh38, 1-based): chr19:38,736,101, G>A on the plus strand (C>T on the coding strand, the complement: CAPN12 is on the minus strand). VCF-style: chr19-38736101-G-A. GRCh37 (hg19) VCF-style: chr19-39226741-G-A.
Identifiers: ClinVar variation 3041010 (VCV003041010.2), dbSNP rs535116264, ClinGen allele CA9418687.
Genomic context (GRCh38, chr19:38,736,101, plus strand): 5'-CGGGGGTCTCGGGGGTCTCGGGGCCTGTCTAGGCAGGGATGGGGTCGGATTTGGGTGCCC[G>A]GGGCTCACACGGCCGTGTGGCGGCGCTCGGAGAAGACACGCAGAGTGAAGTCAGCCTCGT-3'

ClinVar aggregate classification (germline): Likely benign (0 of 4 stars; one submission).

Conditions:
CAPN12-related disorder. Also called: CAPN12-related condition.

Allele frequency attached by ClinVar (database versions not stated): ExAC 0.00088; gnomAD 0.00182; TOPMed 0.00223; 1000 Genomes Project 30x 0.00250; 1000 Genomes Project 0.00280.
gnomAD v4.1: 485 of 1,488,468 alleles (0.033%); highest among the groups gnomAD compares: African/African-American, 0.62%; 1 homozygote.

Submission:

PreventionGenetics, part of Exact Sciences
Classification: Likely benign for CAPN12-related condition. Last evaluated: 2019-12-24. Review status: no assertion criteria provided. Collection method: clinical testing. Allele origin: germline.
Comment: This variant is classified as likely benign based on ACMG/AMP sequence variant interpretation guidelines (Richards et al. 2015 PMID: 25741868, with internal and published modifications).